The following is an entry in ClinVar:

ClinVar aggregate classification (germline): Likely benign. Review status: criteria provided, multiple submitters, no conflicts (2 of 4 stars). 7 submissions from 7 submitters: Likely benign (6). 1 of the submissions does not count toward it. Last evaluated 2026-01-31.

Conditions:
TMEM43-related disorder. Also called: TMEM43-related condition.
Cardiovascular phenotype. Identifiers: MedGen CN230736.
Arrhythmogenic right ventricular dysplasia 5. Also called: Arrhythmogenic Right Ventricular Dysplasia/Cardiomyopathy 5; ARRHYTHMOGENIC RIGHT VENTRICULAR DYSPLASIA, FAMILIAL, 5. Identifiers: MedGen C1858379, MONDO:0011459, OMIM 604400.
Cardiomyopathy (CMYO). Also called: Cardiomyopathies. Identifiers: Orphanet 167848, MedGen C0878544, MONDO:0004994, HP:0001638. Inheritance: Various modes of inheritance.

Allele frequency attached by ClinVar (database versions not stated): gnomAD exomes 0.00001 and 0.00002; ExAC 0.00003; gnomAD 0.00007 and 0.00008; TOPMed 0.00007; ESP Exome Variant Server 0.00015.
gnomAD v4.1: 24 of 1,614,070 alleles (0.0015%); highest among the groups gnomAD compares: African/African-American, 0.016%; no homozygotes.

Submissions (7):

Labcorp Genetics (formerly Invitae), Labcorp
Classification: Likely benign for Arrhythmogenic right ventricular dysplasia 5. Last evaluated: 2026-01-31. Review status: criteria provided, single submitter. Criteria: Invitae Variant Classification Sherloc (09022015). Collection method: clinical testing. Allele origin: germline.

Women's Health and Genetics/Laboratory Corporation of America, LabCorp
Classification: Likely benign. Last evaluated: 2025-03-17. Review status: criteria provided, single submitter. Criteria: LabCorp Variant Classification Summary - May 2015. Collection method: clinical testing. Allele origin: germline.

All of Us Research Program, National Institutes of Health
Classification: Likely benign for Arrhythmogenic right ventricular dysplasia 5. Last evaluated: 2024-06-11. Review status: criteria provided, single submitter. Criteria: ACMG Guidelines, 2015. Collection method: clinical testing. Allele origin: germline. Inheritance: Autosomal dominant inheritance. Observed: 3 variant alleles, 3 heterozygotes.
Comment: This study involves interpretation of variants in research participants for the purpose of population health screening. Participant phenotype was not available at the time of variant classification. Additional details can be found in publication PMID: 35346344, PMCID: PMC8962531

Blueprint Genetics
Classification: Likely benign. Last evaluated: 2023-11-16. Review status: criteria provided, single submitter. Criteria: ACMG Guidelines, 2015. Collection method: clinical testing. Allele origin: germline.

Ambry Genetics
Classification: Likely benign for Cardiovascular phenotype. Last evaluated: 2022-05-20. Review status: criteria provided, single submitter. Criteria: Ambry Variant Classification Scheme 2023. Collection method: clinical testing. Allele origin: germline.

Color Diagnostics, LLC DBA Color Health
Classification: Likely benign for Cardiomyopathy. Last evaluated: 2021-03-23. Review status: criteria provided, single submitter. Criteria: ACMG Guidelines, 2015. Collection method: clinical testing. Allele origin: germline.

PreventionGenetics, part of Exact Sciences
Classification: Likely benign for TMEM43-related condition. Last evaluated: 2021-10-29. Review status: no assertion criteria provided. Collection method: clinical testing. Allele origin: germline. Not counted in ClinVar's aggregate classification.
Comment: This variant is classified as likely benign based on ACMG/AMP sequence variant interpretation guidelines (Richards et al. 2015 PMID: 25741868, with internal and published modifications).

NM_024334.3(TMEM43):c.1089C>T (p.Thr363=)

Gene: TMEM43 (transmembrane protein 43; plus strand). Cytogenetic location: 3p25.1.
Variant type: single nucleotide variant.
Coding change: c.1089C>T on transcript NM_024334.3 (MANE Select); coding-DNA position 1089, C replaced by T.
Protein change: p.Thr363=; no amino-acid change (threonine 363 retained).
Molecular consequence: synonymous variant.
Genome position (GRCh38, 1-based): chr3:14,141,681, C>T. VCF-style: chr3-14141681-C-T. GRCh37 (hg19) VCF-style: chr3-14183181-C-T.
Identifiers: ClinVar variation 703199 (VCV000703199.21), dbSNP rs145094507, ClinGen allele CA051156.